The following is an entry in ClinVar:

ClinVar aggregate classification (germline): Conflicting classifications of pathogenicity. Review status: criteria provided, conflicting classifications (1 of 4 stars). 18 submissions from 16 submitters: Uncertain significance (14); Likely benign (1). 3 of the submissions do not count toward it. Last evaluated 2026-08-19.

Conditions:
Usher syndrome type 1D (USH1D). Also called: USHER SYNDROME, TYPE ID. Identifiers: Orphanet 231169, Orphanet 886, MedGen C1832845, MONDO:0010984, OMIM 601067.
Autosomal recessive nonsyndromic hearing loss 12. Also called: DEAFNESS, AUTOSOMAL RECESSIVE 12. Identifiers: Orphanet 90636, MedGen C1832394, MONDO:0011067, OMIM 601386.
Pituitary adenoma 5, multiple types. Identifiers: MedGen C4539685, MONDO:0054601, OMIM 617540.
CDH23-related disorder. Also called: CDH23-related condition; CDH23-related disorders.
Usher syndrome type 1 (USH1). Also called: RETINITIS PIGMENTOSA AND CONGENITAL DEAFNESS. Identifiers: Orphanet 231169, Orphanet 886, MedGen C1568247, MONDO:0010168, OMIM 276900.

Allele frequency attached by ClinVar (database versions not stated): ExAC 0.00032; gnomAD 0.00035; TOPMed 0.00035; ESP Exome Variant Server 0.00041; 1000 Genomes Project 0.00060; 1000 Genomes Project 30x 0.00062.
gnomAD v4.1: 1,019 of 1,613,916 alleles (0.063%); highest among the groups gnomAD compares: Non-Finnish European, 0.081%; no homozygotes.

Submissions (18):

PreventionGenetics, part of Exact Sciences
Classification: Uncertain significance for CDH23-related condition. Last evaluated: 2026-08-19. Review status: criteria provided, single submitter. Criteria: ACMG Guidelines, 2015. Collection method: clinical testing. Allele origin: germline.
Comment: The CDH23 c.7468G>A variant is predicted to result in the amino acid substitution p.Glu2490Lys. This variant has been reported in an individual with hearing loss without information on a second variant (Table S4, Kothiyal et al. 2010. PubMed ID: 20146813) and together with second CDH23 variant in un individual with Usher syndrome (described as p.Glu250Lys, Table S3, Sloan-Heggen et al. 2016. PubMed ID: 26969326). This variant is reported in 0.054% of alleles in individuals of European (Non-Finnish) descent in gnomAD. At this time, the clinical significance of this variant is uncertain due to the absence of conclusive functional and genetic evidence.

GeneDx
Classification: Uncertain significance. Last evaluated: 2026-07-30. Review status: criteria provided, single submitter. Criteria: GeneDx Variant Classification Process June 2021. Collection method: clinical testing. Allele origin: germline.
Comment: Observed with a second variant (phase unknown) in a patient with Usher syndrome in published literature; however, clinical information is limited (PMID: 26969326); In silico analysis suggests that this missense variant does not alter protein structure/function; This variant is associated with the following publications: (PMID: 20146813, 34426522, 26969326)

Labcorp Genetics (formerly Invitae), Labcorp
Classification: Likely benign. Last evaluated: 2026-01-14. Review status: criteria provided, single submitter. Criteria: Invitae Variant Classification Sherloc (09022015). Collection method: clinical testing. Allele origin: germline.

Blueprint Genetics
Classification: Uncertain significance. Last evaluated: 2024-06-10. Review status: criteria provided, single submitter. Criteria: ACMG Guidelines, 2015. Collection method: clinical testing. Allele origin: germline.

Victorian Clinical Genetics Services, Murdoch Childrens Research Institute
Classification: Uncertain significance for Usher syndrome type 1D. Last evaluated: 2023-07-17. Review status: criteria provided, single submitter. Criteria: ACMG Guidelines, 2015. Collection method: clinical testing. Allele origin: germline. Inheritance: Autosomal recessive inheritance. Affected: yes.
Comment: Based on the classification scheme VCGS_Germline_v1.3.4, this variant is classified as VUS-3B. Following criteria are met: 0102 - Loss of function is a known mechanism of disease in this gene and is associated with deafness 12 (MIM#601386) and Usher syndrome, type 1D/F (MIM#601067). (I) 0106 - This gene is associated with autosomal recessive disease. (I) 0200 - Variant is predicted to result in a missense amino acid change from glutamic acid to lysine. (I) 0251 - This variant is heterozygous. (I) 0304 - Variant is present in gnomAD (v2) <0.01 for a recessive condition (87 heterozygotes, 0 homozygotes). (SP) 0309 - Multiple alternative amino acid changes at the same position have been observed in gnomAD (v2) (Highest allele count: 1 heterozygote, 0 homozygotes). (I) 0502 - Missense variant with conflicting in silico predictions and uninformative conservation. (I) 0600 - Variant is located in the annotated cadherin domain (DECIPHER). (I) 0705 - No comparable missense variants have previous evidence for pathogenicity. (I) 0809 - Previous evidence of pathogenicity for this variant is inconclusive. This variant was described as likely causative in an individual with Usher syndrome who also carried a second CDH23 missense variant (PMID: 26969326). However this variant has also been classified as a VUS by multiple clinical laboratories in ClinVar and observed as a single hit in an individual with sensorineural hearing loss in the literature (PMID: 20146813). (I) 0905 - No published segregation evidence has been identified for this variant. (I) 1007 - No published functional evidence has been identified for this variant. (I) Legend: (SP) - Supporting pathogenic, (I) - Information, (SB) - Supporting benign

Mayo Clinic Laboratories, Mayo Clinic
Classification: Uncertain significance. Last evaluated: 2022-03-22. Review status: criteria provided, single submitter. Criteria: ACMG Guidelines, 2015. Collection method: clinical testing. Allele origin: germline. Observed: 1 variant allele.
Comment: PM2_supporting

Fulgent Genetics
Classification: Uncertain significance for Usher syndrome type 1D; Autosomal recessive nonsyndromic hearing loss 12; Pituitary adenoma 5, multiple types. Last evaluated: 2021-08-16. Review status: criteria provided, single submitter. Criteria: ACMG Guidelines, 2015. Collection method: clinical testing. Allele origin: unknown.

Genome-Nilou Lab
Classification: Uncertain significance for Autosomal recessive nonsyndromic hearing loss 12. Last evaluated: 2021-07-14. Review status: criteria provided, single submitter. Criteria: ACMG Guidelines, 2015. Collection method: clinical testing. Allele origin: germline. Affected: no.

Genome-Nilou Lab
Classification: Uncertain significance for Usher syndrome type 1D. Last evaluated: 2021-07-14. Review status: criteria provided, single submitter. Criteria: ACMG Guidelines, 2015. Collection method: clinical testing. Allele origin: germline. Affected: no.

Laboratory for Molecular Medicine, Mass General Brigham Personalized Medicine
Classification: Uncertain significance. Last evaluated: 2020-01-15. Review status: criteria provided, single submitter. Criteria: LMM Criteria. Collection method: clinical testing. Allele origin: germline. Observed: 4 variant alleles.
Comment: The p.Glu2490Lys variant in CDH23 has been identified in 4 individuals with non-syndromic hearing loss; however, 3 of these individuals did not carry a second CDH23 variant (Kothiyal 2010, Sloan Heggen 2016, LMM data). It has also been identified in 0.05% (69/128346) of European chromosomes by gnomAD and has been reported in ClinVar (Variation ID 46032). Computational prediction tools and conservation analysis suggest that this variant may impact the protein, though this information is not predictive enough to determine pathogenicity. In summary, the clinical significance of this variant is uncertain. ACMG/AMP Criteria applied: PM2_Supporting, PP3.

CeGaT Center for Human Genetics Tuebingen
Classification: Uncertain significance. Last evaluated: 2019-06-01. Review status: criteria provided, single submitter. Criteria: CeGaT Center For Human Genetics Tuebingen Variant Classification Criteria Version 2. Collection method: clinical testing. Allele origin: germline. Affected: yes. Observed: 1 variant allele.

ARUP Laboratories, Molecular Genetics and Genomics, ARUP Laboratories
Classification: Uncertain significance. Last evaluated: 2018-12-05. Review status: criteria provided, single submitter. Criteria: ARUP Molecular Germline Variant Investigation Process. Collection method: clinical testing. Allele origin: germline.
Comment: The p.Glu2490Lys variant (rs41281336) was reported in two individuals from cohort studies with non-syndromic hearing loss (Sloan-Heggen 2016 and Kothiyal 2010). This variant is listed in the Genome Aggregation Database (gnomAD) with an overall population frequency of 0.03 percent (identified on 87 out of 276,976 chromosomes) and has been reported to the ClinVar database as a variant of uncertain significance (Variation ID: 46032). The glutamic acid at position 2,490 is highly conserved up to zebrafish considering 12 species (Alamut v2.10) and computational analyses of the effects of the p.Glu2490Lys variant on protein structure and function provide conflicting results (SIFT: tolerated, GVGD: class C55, PolyPhen-2:possibly damaging). Altogether, there is not enough evidence to classify the p.Glu2490Lys variant with certainty.

Illumina Laboratory Services, Illumina
Classification: Uncertain significance for Autosomal recessive nonsyndromic hearing loss 12. Last evaluated: 2017-04-27. Review status: criteria provided, single submitter. Criteria: ICSL Variant Classification Criteria 13 December 2019. Collection method: clinical testing. Allele origin: germline.
Comment: This variant was observed as part of a predisposition screen in an ostensibly healthy population. A literature search was performed for the gene, cDNA change, and amino acid change (where applicable). Publications were found based on this search. However, the evidence from the literature, in combination with allele frequency data from public databases where available, was not sufficient to rule this variant in or out of causing disease. Therefore, this variant is classified as a variant of unknown significance.

Illumina Laboratory Services, Illumina
Classification: Uncertain significance for Usher syndrome type 1D. Last evaluated: 2017-04-27. Review status: criteria provided, single submitter. Criteria: ICSL Variant Classification Criteria 13 December 2019. Collection method: clinical testing. Allele origin: germline.

Eurofins Ntd Llc (ga)
Classification: Uncertain significance. Last evaluated: 2016-04-12. Review status: criteria provided, single submitter. Criteria: EGL Classification Definitions 2015. Collection method: clinical testing. Allele origin: germline. Observed: 1 variant allele, 1 heterozygote.

Natera, Inc.
Classification: Uncertain significance for Usher syndrome type 1. Last evaluated: 2020-04-17. Review status: no assertion criteria provided. Collection method: clinical testing. Allele origin: germline. Not counted in ClinVar's aggregate classification.

Clinical Genetics DNA and cytogenetics Diagnostics Lab, Erasmus MC, Erasmus Medical Center
Classification: Uncertain significance. Review status: no assertion criteria provided. Collection method: clinical testing. Allele origin: germline. Affected: yes. Study: VKGL Data-share Consensus. Not counted in ClinVar's aggregate classification.

Joint Genome Diagnostic Labs from Nijmegen and Maastricht, Radboudumc and MUMC+
Classification: Uncertain significance. Review status: no assertion criteria provided. Collection method: clinical testing. Allele origin: germline. Affected: yes. Study: VKGL Data-share Consensus. Not counted in ClinVar's aggregate classification.

Literature cited by the submitters: PubMed 20146813 (cited by 3 submitters); PubMed 26969326 (cited by Victorian Clinical Genetics Services, Murdoch Childrens Research Institute and Laboratory for Molecular Medicine, Mass General Brigham Personalized Medicine).

NM_022124.6(CDH23):c.7468G>A (p.Glu2490Lys)

Gene: CDH23 (cadherin related 23; plus strand). Cytogenetic location: 10q22.1.
Variant type: single nucleotide variant.
Coding change: c.7468G>A on transcript NM_022124.6 (MANE Select); coding-DNA position 7468, G replaced by A.
Protein change: p.Glu2490Lys; replaces glutamic acid 2490 with lysine.
Molecular consequence: missense variant.
Genome position (GRCh38, 1-based): chr10:71,800,741, G>A. VCF-style: chr10-71800741-G-A. GRCh37 (hg19) VCF-style: chr10-73560498-G-A.
Other names: c.748G>A, p.Glu250Lys (NM_001171933.1, NM_001171934.1); short protein forms E2490K, E250K.
Identifiers: ClinVar variation 46032 (VCV000046032.79), dbSNP rs41281336, ClinGen allele CA137571.